The following is an entry in ClinVar:

NM_003072.5(SMARCA4):c.1419+3A>G

Gene: SMARCA4 (SWI/SNF related BAF chromatin remodeling complex subunit ATPase 4; plus strand). Cytogenetic location: 19p13.2.
Variant type: single nucleotide variant.
Coding change: c.1419+3A>G on transcript NM_003072.5 (MANE Select); 3 bases into the intron after coding-DNA position 1419, A replaced by G.
Molecular consequence: intron variant.
Genome position (GRCh38, 1-based): chr19:10,991,326, A>G. VCF-style: chr19-10991326-A-G. GRCh37 (hg19) VCF-style: chr19-11102002-A-G.
Other names: c.1419+3A>G (NM_001128844.3, NM_001128849.3, NM_001128847.4 and 4 more transcripts).
Identifiers: ClinVar variation 859383 (VCV000859383.9), dbSNP rs2086541272, ClinGen allele CA916083665.

ClinVar aggregate classification (germline): Uncertain significance. Review status: criteria provided, multiple submitters, no conflicts (2 of 4 stars). 2 submissions from 2 submitters: Uncertain significance (2). Last evaluated 2023-12-13.

Conditions:
Hereditary cancer-predisposing syndrome. Also called: Tumor predisposition; Hereditary neoplastic syndrome; Neoplastic Syndromes, Hereditary; Hereditary Cancer Syndrome. Identifiers: Orphanet 140162, MedGen C0027672, MeSH D009386, MONDO:0015356.
Rhabdoid tumor predisposition syndrome 2 (RTPS2). Identifiers: Orphanet 231108, Orphanet 69077, MedGen C2750074, MONDO:0013224, OMIM 613325.

Allele frequency attached by ClinVar (database versions not stated): gnomAD exomes below 0.00001.
gnomAD v4.1: 1 of 1,587,660 alleles (0.000063%); highest among the groups gnomAD compares: Non-Finnish European, 0.000086%; no homozygotes.

Submissions (2):

Ambry Genetics
Classification: Uncertain significance for Hereditary cancer-predisposing syndrome. Last evaluated: 2023-12-13. Review status: criteria provided, single submitter. Criteria: Ambry Variant Classification Scheme 2023. Collection method: clinical testing. Allele origin: germline.
Comment: The c.1419+3A>G intronic variant results from an A to G substitution 3 nucleotides after coding exon 7 in the SMARCA4 gene. This nucleotide position is not well conserved in available vertebrate species. In silico splice site analysis predicts that this alteration will not have any significant effect on splicing. Since supporting evidence is limited at this time, the clinical significance of this alteration remains unclear.

Labcorp Genetics (formerly Invitae), Labcorp
Classification: Uncertain significance for Rhabdoid tumor predisposition syndrome 2. Last evaluated: 2019-12-19. Review status: criteria provided, single submitter. Criteria: Invitae Variant Classification Sherloc (09022015). Collection method: clinical testing. Allele origin: germline.
Comment: In summary, the available evidence is currently insufficient to determine the role of this variant in disease. Therefore, it has been classified as a Variant of Uncertain Significance. Nucleotide substitutions within the consensus splice site are a relatively common cause of aberrant splicing (PMID: 17576681, 9536098). Algorithms developed to predict the effect of sequence changes on RNA splicing suggest that this variant is not likely to affect RNA splicing, but this prediction has not been confirmed by published transcriptional studies. This variant has not been reported in the literature in individuals with SMARCA4-related conditions. This variant is not present in population databases (ExAC no frequency). This sequence change falls in intron 8 of the SMARCA4 gene. It does not directly change the encoded amino acid sequence of the SMARCA4 protein, but it affects a nucleotide within the consensus splice site of the intron.

Literature cited by the submitters: PubMed 17576681 (cited by Labcorp Genetics (formerly Invitae), Labcorp); PubMed 9536098 (cited by Labcorp Genetics (formerly Invitae), Labcorp).